The following is an entry in ClinVar:

NM_001201543.2(FAM161A):c.946G>T (p.Glu316Ter)

Gene: FAM161A (FAM161 centrosomal protein A; minus strand). Cytogenetic location: 2p15.
Variant type: single nucleotide variant.
Coding change: c.946G>T on transcript NM_001201543.2 (MANE Select); coding-DNA position 946, G replaced by T.
Protein change: p.Glu316Ter; replaces glutamic acid 316 with a stop codon.
Molecular consequence: nonsense. On other transcripts: non-coding transcript variant (1).
Genome position (GRCh38, 1-based): chr2:61,840,058, C>A on the plus strand (G>T on the coding strand, the complement: FAM161A is on the minus strand). VCF-style: chr2-61840058-C-A. GRCh37 (hg19) VCF-style: chr2-62067193-C-A.
Other names: c.946G>T, p.Glu316Ter (NM_032180.3); short protein forms E316*.
Identifiers: ClinVar variation 1454588 (VCV001454588.6), dbSNP rs2105082215, ClinGen allele CA346987768.

ClinVar aggregate classification (germline): Pathogenic (1 of 4 stars; one submission).

Submission:

Labcorp Genetics (formerly Invitae), Labcorp
Classification: Pathogenic. Last evaluated: 2022-10-12. Review status: criteria provided, single submitter. Criteria: Invitae Variant Classification Sherloc (09022015). Collection method: clinical testing. Allele origin: germline.
Comment: This sequence change creates a premature translational stop signal (p.Glu316*) in the FAM161A gene. It is expected to result in an absent or disrupted protein product. Loss-of-function variants in FAM161A are known to be pathogenic (PMID: 20705278, 20705279, 24651477). This variant is not present in population databases (gnomAD no frequency). This variant has not been reported in the literature in individuals affected with FAM161A-related conditions. ClinVar contains an entry for this variant (Variation ID: 1454588). For these reasons, this variant has been classified as Pathogenic.

Literature cited by the submitters: PubMed 20705278; PubMed 20705279; PubMed 24651477.